The following is an entry in ClinVar:

ClinVar aggregate classification (germline): Conflicting classifications of pathogenicity. Review status: criteria provided, conflicting classifications (1 of 4 stars). 8 submissions from 7 submitters: Uncertain significance (4); Benign (1); Likely benign (3). Last evaluated 2026-02-10.

Conditions:
SYNE1-related disorder. Also called: SYNE1-related disorders; SYNE1-related disease; SYNE1-related condition.
Autosomal recessive ataxia, Beauce type. Also called: SYNE1-Related Autosomal Recessive Cerebellar Ataxia; ATAXIA, RECESSIVE, OF BEAUCE; Spinocerebellar ataxia, autosomal recessive 8; SYNE1 Deficiency. Identifiers: Orphanet 88644, MedGen C1853116, MONDO:0012549, OMIM 610743.
Emery-Dreifuss muscular dystrophy 4, autosomal dominant (EDMD4). Also called: EMERY-DREIFUSS MUSCULAR DYSTROPHY 4 WITH VARIABLE FEATURES. Identifiers: Orphanet 261, MedGen C2751807, MONDO:0013071, OMIM 612998.

Allele frequency attached by ClinVar (database versions not stated): gnomAD 0.00013; gnomAD exomes 0.00017; ExAC 0.00019; 1000 Genomes Project 0.00040; 1000 Genomes Project 30x 0.00062; TOPMed 0.00007.
gnomAD v4.1: 161 of 1,614,064 alleles (0.01%); highest among the groups gnomAD compares: East Asian, 0.08%; no homozygotes.

Submissions (8):

GeneDx
Classification: Uncertain significance. Last evaluated: 2026-02-10. Review status: criteria provided, single submitter. Criteria: GeneDx Variant Classification Process June 2021. Collection method: clinical testing. Allele origin: germline.
Comment: Reported as a heterozyous variant in a patient with early-onset Alzheimer disease in the published literature who also had a variant in another gene that may have been responsible for the phenotype (PMID: 28131463); In silico analysis suggests that this missense variant does not alter protein structure/function; This variant is associated with the following publications: (PMID: 30202019, 28131463)

Athena Diagnostics
Classification: Likely benign. Last evaluated: 2025-03-27. Review status: criteria provided, single submitter. Criteria: Athena Diagnostics Criteria. Collection method: clinical testing. Allele origin: unknown.
Comment: The frequency of this variant in the general population is higher than would generally be expected for pathogenic variants in this gene. Computational tools predict this amino acid change may be benign.

PreventionGenetics, part of Exact Sciences
Classification: Likely benign for SYNE1-related condition. Last evaluated: 2025-03-20. Review status: criteria provided, single submitter. Criteria: ACMG Guidelines, 2015. Collection method: clinical testing. Allele origin: germline.
Comment: This variant is classified as likely benign based on ACMG/AMP sequence variant interpretation guidelines (Richards et al. 2015 PMID: 25741868, with internal and published modifications).

Revvity Omics, Revvity
Classification: Likely benign. Last evaluated: 2024-07-11. Review status: criteria provided, single submitter. Criteria: ACMG Guidelines, 2015. Collection method: clinical testing. Allele origin: germline.

Labcorp Genetics (formerly Invitae), Labcorp
Classification: Uncertain significance for Emery-Dreifuss muscular dystrophy 4, autosomal dominant; Autosomal recessive ataxia, Beauce type. Last evaluated: 2024-02-24. Review status: criteria provided, single submitter. Criteria: Invitae Variant Classification Sherloc (09022015). Collection method: clinical testing. Allele origin: germline.
Comment: This sequence change replaces threonine, which is neutral and polar, with methionine, which is neutral and non-polar, at codon 2310 of the SYNE1 protein (p.Thr2310Met). This variant is present in population databases (rs190867604, gnomAD 0.1%). This variant has not been reported in the literature in individuals affected with SYNE1-related conditions. ClinVar contains an entry for this variant (Variation ID: 355916). An algorithm developed to predict the effect of missense changes on protein structure and function (PolyPhen-2) suggests that this variant is likely to be disruptive. In summary, the available evidence is currently insufficient to determine the role of this variant in disease. Therefore, it has been classified as a Variant of Uncertain Significance.

Illumina Laboratory Services, Illumina
Classification: Uncertain significance for Autosomal recessive ataxia, Beauce type. Last evaluated: 2018-01-13. Review status: criteria provided, single submitter. Criteria: ICSL Variant Classification Criteria 13 December 2019. Collection method: clinical testing. Allele origin: germline.

Illumina Laboratory Services, Illumina
Classification: Benign for Emery-Dreifuss muscular dystrophy 4, autosomal dominant. Last evaluated: 2018-01-13. Review status: criteria provided, single submitter. Criteria: ICSL Variant Classification Criteria 13 December 2019. Collection method: clinical testing. Allele origin: germline.
Comment: This variant was observed in the ICSL laboratory as part of a predisposition screen in an ostensibly healthy population. It had not been previously curated by ICSL or reported in the Human Gene Mutation Database (HGMD: prior to June 1st, 2018), and was therefore a candidate for classification through an automated scoring system. Utilizing variant allele frequency, disease prevalence and penetrance estimates, and inheritance mode, an automated score was calculated to assess if this variant is too frequent to cause the disease. Based on the score and internal cut-off values, a variant classified as benign is not then subjected to further curation. The score for this variant resulted in a classification of benign for this disease.

Eurofins Ntd Llc (ga)
Classification: Uncertain significance. Last evaluated: 2017-11-17. Review status: criteria provided, single submitter. Criteria: EGL Classification Definitions 2015. Collection method: clinical testing. Allele origin: germline. Observed: 2 variant alleles, 2 heterozygotes.

NM_182961.4(SYNE1):c.6908C>T (p.Thr2303Met)

Gene: SYNE1 (spectrin repeat containing nuclear envelope protein 1; minus strand). Cytogenetic location: 6q25.2.
Variant type: single nucleotide variant.
Coding change: c.6908C>T on transcript NM_182961.4 (MANE Select); coding-DNA position 6908, C replaced by T.
Protein change: p.Thr2303Met; replaces threonine 2303 with methionine.
Molecular consequence: missense variant.
Genome position (GRCh38, 1-based): chr6:152,401,259, G>A on the plus strand (C>T on the coding strand, the complement: SYNE1 is on the minus strand). VCF-style: chr6-152401259-G-A. GRCh37 (hg19) VCF-style: chr6-152722394-G-A.
Other names: c.6929C>T, p.Thr2310Met (NM_033071.5); short protein forms T2310M, T2303M.
Identifiers: ClinVar variation 355916 (VCV000355916.19), dbSNP rs190867604, ClinGen allele CA4057964.